The following is an entry in ClinVar:

NM_014946.4(SPAST):c.1795C>T (p.Gln599Ter)

Gene: SPAST (spastin; plus strand). Cytogenetic location: 2p22.3.
Variant type: single nucleotide variant.
Coding change: c.1795C>T on transcript NM_014946.4 (MANE Select); coding-DNA position 1795, C replaced by T.
Protein change: p.Gln599Ter; replaces glutamine 599 with a stop codon.
Molecular consequence: nonsense. On other transcripts: 3 prime UTR variant (1).
Genome position (GRCh38, 1-based): chr2:32,154,440, C>T. VCF-style: chr2-32154440-C-T. GRCh37 (hg19) VCF-style: chr2-32379509-C-T.
Other names: c.1792C>T, p.Gln598Ter (NM_001363823.2); c.1696C>T, p.Gln566Ter (NM_001363875.2); c.*68C>T (NM_001377959.1); c.1699C>T, p.Gln567Ter (NM_199436.2); short protein forms Q566*, Q567*, Q598*, Q599*.
Identifiers: ClinVar variation 4056884 (VCV004056884.1).

ClinVar aggregate classification (germline): Likely pathogenic (1 of 4 stars; one submission).

Submission:

GeneDx
Classification: Likely pathogenic. Last evaluated: 2025-01-05. Review status: criteria provided, single submitter. Criteria: GeneDx Variant Classification Process June 2021. Collection method: clinical testing. Allele origin: germline. Affected: yes.
Comment: Nonsense variant predicted to result in protein truncation, as the last 18 amino acids are lost, and other loss-of-function variants have been reported downstream; Not observed at significant frequency in large population cohorts (gnomAD); This variant is associated with the following publications: (PMID: 21139634, 26094131, 36923789)